The following is an entry in ClinVar:

ClinVar aggregate classification (germline): Uncertain significance (1 of 4 stars; one submission).

Conditions:
Werner syndrome (WRN). Identifiers: Orphanet 902, MedGen C0043119, MONDO:0010196, OMIM 277700.

Allele frequency attached by ClinVar (database versions not stated): gnomAD exomes 0.00001 and 0.00002; ExAC 0.00002; TOPMed 0.00002.
gnomAD v4.1: 18 of 1,613,102 alleles (0.0011%); highest among the groups gnomAD compares: South Asian, 0.0044%; no homozygotes.

Submission:

Labcorp Genetics (formerly Invitae), Labcorp
Classification: Uncertain significance for Werner syndrome. Last evaluated: 2024-10-22. Review status: criteria provided, single submitter. Criteria: Invitae Variant Classification Sherloc (09022015). Collection method: clinical testing. Allele origin: germline.
Comment: This sequence change replaces glycine, which is neutral and non-polar, with serine, which is neutral and polar, at codon 1377 of the WRN protein (p.Gly1377Ser). This variant is present in population databases (rs760127655, gnomAD 0.003%). This missense change has been observed in individual(s) with breast cancer (PMID: 28202063). ClinVar contains an entry for this variant (Variation ID: 528107). An algorithm developed to predict the effect of missense changes on protein structure and function outputs the following: PolyPhen-2: "Benign". The serine amino acid residue is found in multiple mammalian species, which suggests that this missense change does not adversely affect protein function. In summary, the available evidence is currently insufficient to determine the role of this variant in disease. Therefore, it has been classified as a Variant of Uncertain Significance.

Literature cited by the submitters: PubMed 28202063.

NM_000553.6(WRN):c.4129G>A (p.Gly1377Ser)

Gene: WRN (WRN RecQ like helicase; plus strand). Cytogenetic location: 8p12.
Variant type: single nucleotide variant.
Coding change: c.4129G>A on transcript NM_000553.6 (MANE Select); coding-DNA position 4129, G replaced by A.
Protein change: p.Gly1377Ser; replaces glycine 1377 with serine.
Molecular consequence: missense variant.
Genome position (GRCh38, 1-based): chr8:31,167,168, G>A. VCF-style: chr8-31167168-G-A. GRCh37 (hg19) VCF-style: chr8-31024684-G-A.
Other names: short protein forms G1377S.
Identifiers: ClinVar variation 528107 (VCV000528107.5), dbSNP rs760127655, ClinGen allele CA4705268.
Genomic context (GRCh38, chr8:31,167,168, plus strand): 5'-CATGGTCCTGACAGCGGACTTCAACCTTCATGTGATGTCAACAAAAGGAGATGTTTTCCC[G>A]GTTCTGAAGAGATCTGTTCAAGTTCTAAGAGAAGCAAGGAAGAAGTAGGCATCAATACTG-3'
Protein context (NP_000544.2, residues 1367-1387): CDVNKRRCFP[Gly1377Ser]SEEICSSSKR